The following is an entry in ClinVar:

NM_004655.4(AXIN2):c.570T>A (p.Phe190Leu)

Gene: AXIN2 (axin 2; minus strand). Cytogenetic location: 17q24.1.
Variant type: single nucleotide variant.
Coding change: c.570T>A on transcript NM_004655.4 (MANE Select); coding-DNA position 570, T replaced by A.
Protein change: p.Phe190Leu; replaces phenylalanine 190 with leucine.
Molecular consequence: missense variant.
Genome position (GRCh38, 1-based): chr17:65,558,051, A>T on the plus strand (T>A on the coding strand, the complement: AXIN2 is on the minus strand). VCF-style: chr17-65558051-A-T. GRCh37 (hg19) VCF-style: chr17-63554169-A-T.
Other names: c.570T>A, p.Phe190Leu (NM_001363813.1); short protein forms F190L.
Identifiers: ClinVar variation 1492641 (VCV001492641.8), dbSNP rs1337342790, ClinGen allele CA400680844.

ClinVar aggregate classification (germline): Uncertain significance (1 of 4 stars; one submission).

Conditions:
Oligodontia-cancer predisposition syndrome. Also called: TOOTH AGENESIS-COLORECTAL CANCER SYNDROME. Identifiers: Orphanet 300576, MedGen C1837750, MONDO:0012075, OMIM 608615. Disease mechanism: loss of function.

Submission:

Labcorp Genetics (formerly Invitae), Labcorp
Classification: Uncertain significance for Oligodontia-cancer predisposition syndrome. Last evaluated: 2020-12-25. Review status: criteria provided, single submitter. Criteria: Invitae Variant Classification Sherloc (09022015). Collection method: clinical testing. Allele origin: germline.
Comment: In summary, the available evidence is currently insufficient to determine the role of this variant in disease. Therefore, it has been classified as a Variant of Uncertain Significance. Algorithms developed to predict the effect of missense changes on protein structure and function are either unavailable or do not agree on the potential impact of this missense change (SIFT: "Deleterious"; PolyPhen-2: "Probably Damaging"; Align-GVGD: "Class C15"). This variant has not been reported in the literature in individuals with AXIN2-related conditions. This variant is not present in population databases (ExAC no frequency). This sequence change replaces phenylalanine with leucine at codon 190 of the AXIN2 protein (p.Phe190Leu). The phenylalanine residue is highly conserved and there is a small physicochemical difference between phenylalanine and leucine.